The following is an entry in ClinVar:

ClinVar aggregate classification (germline): Benign/Likely benign. Review status: criteria provided, multiple submitters, no conflicts (2 of 4 stars). 3 submissions from 3 submitters: Benign (1); Likely benign (1). 1 of the submissions does not count toward it. Last evaluated 2026-01-24.

Conditions:
DNAH1-related disorder. Also called: DNAH1-related condition.
Spermatogenic failure 18. Identifiers: MedGen C4539783, MONDO:0054615, OMIM 617576.
Ciliary dyskinesia, primary, 37 (CILD37). Also called: CILIARY DYSKINESIA, PRIMARY, 37, WITH OR WITHOUT SITUS INVERSUS. Identifiers: MedGen C4539798, MONDO:0033204, OMIM 617577.

Allele frequency attached by ClinVar (database versions not stated): 1000 Genomes Project 30x 0.00016; 1000 Genomes Project 0.00020; gnomAD 0.00062 and 0.00066; ESP Exome Variant Server 0.00071; TOPMed 0.00071.
gnomAD v4.1: 181 of 1,541,490 alleles (0.012%); highest among the groups gnomAD compares: African/African-American, 0.23%; no homozygotes.

Submissions (3):

Labcorp Genetics (formerly Invitae), Labcorp
Classification: Benign for Ciliary dyskinesia, primary, 37; Spermatogenic failure 18. Last evaluated: 2026-01-24. Review status: criteria provided, single submitter. Criteria: Invitae Variant Classification Sherloc (09022015). Collection method: clinical testing. Allele origin: germline.

Blueprint Genetics
Classification: Likely benign. Last evaluated: 2022-05-03. Review status: criteria provided, single submitter. Criteria: ACMG Guidelines, 2015. Collection method: clinical testing. Allele origin: germline.

PreventionGenetics, part of Exact Sciences
Classification: Likely benign for DNAH1-related condition. Last evaluated: 2023-06-08. Review status: no assertion criteria provided. Collection method: clinical testing. Allele origin: germline. Not counted in ClinVar's aggregate classification.
Comment: This variant is classified as likely benign based on ACMG/AMP sequence variant interpretation guidelines (Richards et al. 2015 PMID: 25741868, with internal and published modifications).

NM_015512.5(DNAH1):c.12097C>A (p.Arg4033=)

Gene: DNAH1 (dynein axonemal heavy chain 1; plus strand). Cytogenetic location: 3p21.1.
Variant type: single nucleotide variant.
Coding change: c.12097C>A on transcript NM_015512.5 (MANE Select); coding-DNA position 12097, C replaced by A.
Protein change: p.Arg4033=; no amino-acid change (arginine 4033 retained).
Molecular consequence: synonymous variant.
Genome position (GRCh38, 1-based): chr3:52,398,857, C>A. VCF-style: chr3-52398857-C-A. GRCh37 (hg19) VCF-style: chr3-52432873-C-A.
Identifiers: ClinVar variation 790132 (VCV000790132.12), dbSNP rs371210477, ClinGen allele CA2436406.